The following is an entry in ClinVar:

ClinVar aggregate classification (germline): Likely pathogenic. Review status: criteria provided, multiple submitters, no conflicts (2 of 4 stars). 3 submissions from 3 submitters: Likely pathogenic (2). 1 of the submissions does not count toward it. Last evaluated 2025-09-04.

Conditions:
Autosomal recessive Alport syndrome (ATS2). Also called: ALPORT SYNDROME 2, AUTOSOMAL RECESSIVE; COL4A4 Alport Syndrome and Thin Basement Membrane Nephropathy; COL4A3-Related Nephropathy; Alport syndrome type 2. Identifiers: Orphanet 63, Orphanet 88919, MedGen C4746745, MONDO:0008762, OMIM 203780.
Hematuria, benign familial, 1 (BFH1). Also called: THIN MEMBRANE NEPHROPATHY. Identifiers: MedGen CN376803, MONDO:0007709, OMIM 141200.

Submissions (3):

3billion
Classification: Likely pathogenic for Autosomal recessive Alport syndrome. Last evaluated: 2025-09-04. Review status: criteria provided, single submitter. Criteria: ACMG Guidelines, 2015. Collection method: clinical testing. Allele origin: germline. Affected: yes.
Comment: The variant is not observed in the gnomAD v4.1.0 dataset. Predicted Consequence/Location: The variant is located in a mutational hot spot and/or well-established functional domain in which established pathogenic variants have been reported (PMID: 30311386). In silico tool predictions suggest damaging effect of the variant on gene or gene product [REVEL: 0.90 (>=0.6, sensitivity 0.68 and specificity 0.92); 3Cnet: 0.93 (> 0.75, sensitivity 0.96 and precision 0.92)]. The same nucleotide change resulting in the same amino acid change has been previously reported to be associated with COL4A4-related disorder (ClinVar ID: VCV000549957). A different missense change at the same codon (p.Gly1328Arg) has been reported to be associated with COL4A4-related disorder (PMID: 34120753). Therefore, this variant is classified as Likely pathogenic according to the recommendation of ACMG/AMP guideline.

Fulgent Genetics
Classification: Likely pathogenic for Hematuria, benign familial, 1; Autosomal recessive Alport syndrome. Last evaluated: 2024-02-10. Review status: criteria provided, single submitter. Criteria: ACMG Guidelines, 2015. Collection method: clinical testing. Allele origin: germline.

Counsyl
Classification: Uncertain significance for Autosomal recessive Alport syndrome. Last evaluated: 2017-11-13. Review status: no assertion criteria provided. Collection method: clinical testing. Allele origin: unknown. Not counted in ClinVar's aggregate classification.

Literature cited by the submitters: PubMed 34120753 (cited by 3billion).

NM_000092.5(COL4A4):c.3983G>C (p.Gly1328Ala)

Gene: COL4A4 (collagen type IV alpha 4 chain; minus strand). Cytogenetic location: 2q36.3.
Variant type: single nucleotide variant.
Coding change: c.3983G>C on transcript NM_000092.5 (MANE Select); coding-DNA position 3983, G replaced by C.
Protein change: p.Gly1328Ala; replaces glycine 1328 with alanine.
Molecular consequence: missense variant.
Genome position (GRCh38, 1-based): chr2:227,028,000, C>G on the plus strand (G>C on the coding strand, the complement: COL4A4 is on the minus strand). VCF-style: chr2-227028000-C-G. GRCh37 (hg19) VCF-style: chr2-227892716-C-G.
Other names: short protein forms G1328A.
Identifiers: ClinVar variation 549957 (VCV000549957.4), dbSNP rs1553624173, ClinGen allele CA350837127.